The following is an entry in ClinVar:

NM_002225.5(IVD):c.1024A>G (p.Asn342Asp)

Gene: IVD (isovaleryl-CoA dehydrogenase; plus strand). Cytogenetic location: 15q15.1.
Variant type: single nucleotide variant.
Coding change: c.1024A>G on transcript NM_002225.5 (MANE Select); coding-DNA position 1024, A replaced by G.
Protein change: p.Asn342Asp; replaces asparagine 342 with aspartic acid.
Molecular consequence: missense variant. On other transcripts: non-coding transcript variant (1).
Genome position (GRCh38, 1-based): chr15:40,416,141, A>G. VCF-style: chr15-40416141-A-G. GRCh37 (hg19) VCF-style: chr15-40708340-A-G.
Other names: c.1111A>G, p.Asn371Asp (NM_001354599.3, NM_001354600.3); c.1024A>G, p.Asn342Asp (NM_001354601.3, NM_001354598.3); c.934A>G, p.Asn312Asp (NM_001159508.3); c.976A>G, p.Asn326Asp (NM_001354597.3); c.1033A>G (NM_002225.3); short protein forms N312D, N326D, N342D, N371D.
Identifiers: ClinVar variation 3896235 (VCV003896235.2).

ClinVar aggregate classification (germline): Conflicting classifications of pathogenicity. Review status: criteria provided, conflicting classifications (1 of 4 stars). 2 submissions from 2 submitters: Pathogenic (1); Uncertain significance (1). Last evaluated 2026-05-06.

Conditions:
Isovaleryl-CoA dehydrogenase deficiency (IVA). Also called: ISOVALERIC ACID CoA DEHYDROGENASE DEFICIENCY; Isovaleric acidemia; IVD DEFICIENCY; Classic Isovaleric Acidemia. Identifiers: Orphanet 33, MedGen C0268575, MONDO:0009475, OMIM 243500.

gnomAD v4.1: 2 of 1,614,242 alleles (0.00012%); highest among the groups gnomAD compares: East Asian, 0.0045%; no homozygotes.

Submissions (2):

Stanford Starfish Project, Stanford University
Classification: Pathogenic for Isovaleryl-CoA dehydrogenase deficiency. Last evaluated: 2026-05-06. Review status: criteria provided, single submitter. Criteria: ACMG Guidelines, 2015. Collection method: provider interpretation. Allele origin: maternal. Inheritance: Autosomal recessive inheritance. Affected: yes. Observed: 1 variant allele, 1 compound heterozygote.
Comment: This variant is predicted to result in the substitution of asparagine with aspartic acid at amino acid 345 (p.Asn345Asp). This variant is not present in large population databases. See Observation 1 for details on clinical features. Variant confirmed to be in trans with pathogenic IVD variant (c.294del, p.Val99Phefs*16).

Women's Health and Genetics/Laboratory Corporation of America, LabCorp
Classification: Uncertain significance. Last evaluated: 2025-04-30. Review status: criteria provided, single submitter. Criteria: LabCorp Variant Classification Summary - May 2015. Collection method: clinical testing. Allele origin: germline.
Comment: Variant summary: IVD c.1024A>G (p.Asn342Asp) results in a conservative amino acid change in the encoded protein sequence. Three of five in-silico tools predict a damaging effect of the variant on protein function. The variant was absent in 251430 control chromosomes. The available data on variant occurrences in the general population are insufficient to allow any conclusion about variant significance. c.1024A>G has been observed in a compound heterozygous individual affected with Isovaleryl-CoA Dehydrogenase Deficiency (Kim_2016). These data do not allow any conclusion about variant significance. To our knowledge, no experimental evidence demonstrating an impact on protein function has been reported. No submitters have cited clinical-significance assessments for this variant to ClinVar. Based on the evidence outlined above, the variant was classified as uncertain significance.